The following is an entry in ClinVar:

ClinVar aggregate classification (germline): Conflicting classifications of pathogenicity. Review status: criteria provided, conflicting classifications (1 of 4 stars). 3 submissions from 3 submitters: Uncertain significance (2); Benign (1). Last evaluated 2025-09-25.

Conditions:
Hereditary cancer-predisposing syndrome. Also called: Hereditary neoplastic syndrome; Neoplastic Syndromes, Hereditary; Tumor predisposition; Hereditary Cancer Syndrome. Identifiers: Orphanet 140162, MedGen C0027672, MeSH D009386, MONDO:0015356.
Fanconi anemia complementation group O. Also called: RAD51C-Related Fanconi Anemia. Identifiers: Orphanet 84, MedGen C3150653, MONDO:0013248, OMIM 613390.

Submissions (3):

Ambry Genetics
Classification: Benign for Hereditary cancer-predisposing syndrome. Last evaluated: 2025-09-25. Review status: criteria provided, single submitter. Criteria: Ambry Variant Classification Scheme 2023. Collection method: clinical testing. Allele origin: germline.

Labcorp Genetics (formerly Invitae), Labcorp
Classification: Uncertain significance for Fanconi anemia complementation group O. Last evaluated: 2022-02-11. Review status: criteria provided, single submitter. Criteria: Invitae Variant Classification Sherloc (09022015). Collection method: clinical testing. Allele origin: germline.
Comment: In summary, the available evidence is currently insufficient to determine the role of this variant in disease. Therefore, it has been classified as a Variant of Uncertain Significance. Algorithms developed to predict the effect of missense changes on protein structure and function (SIFT, PolyPhen-2, Align-GVGD) all suggest that this variant is likely to be tolerated. ClinVar contains an entry for this variant (Variation ID: 1006867). This variant has not been reported in the literature in individuals affected with RAD51C-related conditions. This variant is not present in population databases (gnomAD no frequency). This sequence change replaces valine, which is neutral and non-polar, with phenylalanine, which is neutral and non-polar, at codon 350 of the RAD51C protein (p.Val350Phe).

GeneDx
Classification: Uncertain significance. Last evaluated: 2019-09-03. Review status: criteria provided, single submitter. Criteria: GeneDx Variant Classification Process June 2021. Collection method: clinical testing. Allele origin: germline. Affected: yes.
Comment: Not observed in large population cohorts (Lek 2016); In silico analysis, which includes protein predictors and evolutionary conservation, supports that this variant does not alter protein structure/function; Has not been previously published as pathogenic or benign to our knowledge

NM_058216.3(RAD51C):c.1048G>T (p.Val350Phe)

Gene: RAD51C (RAD51 paralog C; plus strand). Cytogenetic location: 17q22.
Variant type: single nucleotide variant.
Coding change: c.1048G>T on transcript NM_058216.3 (MANE Select); coding-DNA position 1048, G replaced by T.
Protein change: p.Val350Phe; replaces valine 350 with phenylalanine.
Molecular consequence: missense variant. On other transcripts: non-coding transcript variant (1).
Genome position (GRCh38, 1-based): chr17:58,734,139, G>T. VCF-style: chr17-58734139-G-T. GRCh37 (hg19) VCF-style: chr17-56811500-G-T.
Other names: short protein forms V350F.
Identifiers: ClinVar variation 1006867 (VCV001006867.14), dbSNP rs1473651696, ClinGen allele CA400366021.